The following is an entry in ClinVar:

ClinVar aggregate classification (germline): Conflicting classifications of pathogenicity. Review status: criteria provided, conflicting classifications (1 of 4 stars). 5 submissions from 5 submitters: Uncertain significance (4); Likely benign (1). Last evaluated 2025-09-09.

Conditions:
Cardiovascular phenotype. Identifiers: MedGen CN230736.
Cardiomyopathy (CMYO). Also called: Cardiomyopathies. Identifiers: Orphanet 167848, MedGen C0878544, MONDO:0004994, HP:0001638. Inheritance: Various modes of inheritance.
Arrhythmogenic right ventricular dysplasia 5. Also called: ARRHYTHMOGENIC RIGHT VENTRICULAR DYSPLASIA, FAMILIAL, 5; Arrhythmogenic Right Ventricular Dysplasia/Cardiomyopathy 5. Identifiers: MedGen C1858379, MONDO:0011459, OMIM 604400.

Allele frequency attached by ClinVar (database versions not stated): gnomAD 0.00002 and 0.00003; ExAC 0.00003; gnomAD exomes 0.00003; TOPMed 0.00005; 1000 Genomes Project 30x 0.00016; 1000 Genomes Project 0.00020.
gnomAD v4.1: 22 of 1,614,058 alleles (0.0014%); highest among the groups gnomAD compares: African/African-American, 0.0093%; no homozygotes.

Submissions (5):

Labcorp Genetics (formerly Invitae), Labcorp
Classification: Uncertain significance for Arrhythmogenic right ventricular dysplasia 5. Last evaluated: 2025-09-09. Review status: criteria provided, single submitter. Criteria: Invitae Variant Classification Sherloc (09022015). Collection method: clinical testing. Allele origin: germline.
Comment: This sequence change replaces serine, which is neutral and polar, with leucine, which is neutral and non-polar, at codon 33 of the TMEM43 protein (p.Ser33Leu). This variant is present in population databases (rs539753097, gnomAD 0.02%). This variant has not been reported in the literature in individuals affected with TMEM43-related conditions. ClinVar contains an entry for this variant (Variation ID: 202115). Invitae Evidence Modeling of protein sequence and biophysical properties (such as structural, functional, and spatial information, amino acid conservation, physicochemical variation, residue mobility, and thermodynamic stability) indicates that this missense variant is not expected to disrupt TMEM43 protein function with a negative predictive value of 80%. In summary, the available evidence is currently insufficient to determine the role of this variant in disease. Therefore, it has been classified as a Variant of Uncertain Significance.

All of Us Research Program, National Institutes of Health
Classification: Uncertain significance for Arrhythmogenic right ventricular dysplasia 5. Last evaluated: 2024-09-23. Review status: criteria provided, single submitter. Criteria: ACMG Guidelines, 2015. Collection method: clinical testing. Allele origin: germline. Inheritance: Autosomal dominant inheritance. Observed: 7 variant alleles, 7 heterozygotes.
Comment: This missense variant replaces serine with leucine at codon 33 of the TMEM43 protein. Computational prediction tools and conservation analyses are inconclusive regarding the impact of this variant on protein function. Computational splicing tools suggest that this variant may not impact RNA splicing. To our knowledge, functional assays have not been performed for this variant nor has this variant been reported in individuals affected with cardiovascular disorders in the literature. This variant has been identified in 7/251346 chromosomes in the general population by the Genome Aggregation Database (gnomAD). Available evidence is insufficient to determine the role of this variant in disease conclusively. Therefore, this variant is classified as a Variant of Uncertain Significance.

This study involves interpretation of variants in research participants for the purpose of population health screening. Participant phenotype was not available at the time of variant classification. Additional details can be found in publication PMID: 35346344, PMCID: PMC8962531

GeneDx
Classification: Uncertain significance. Last evaluated: 2024-05-29. Review status: criteria provided, single submitter. Criteria: GeneDx Variant Classification Process June 2021. Collection method: clinical testing. Allele origin: germline. Affected: yes.
Comment: In silico analysis indicates that this missense variant does not alter protein structure/function; Has not been previously published as pathogenic or benign to our knowledge

Color Diagnostics, LLC DBA Color Health
Classification: Uncertain significance for Cardiomyopathy. Last evaluated: 2024-03-06. Review status: criteria provided, single submitter. Criteria: ACMG Guidelines, 2015. Collection method: clinical testing. Allele origin: germline.
Comment: This missense variant replaces serine with leucine at codon 33 of the TMEM43 protein. Computational prediction suggests that this variant may not impact protein structure and function (internally defined REVEL score threshold <= 0.5, PMID: 27666373). To our knowledge, functional studies have not been reported for this variant. This variant has not been reported in individuals affected with TMEM43-related disorders in the literature. This variant has been identified in 7/251346 chromosomes in the general population by the Genome Aggregation Database (gnomAD). The available evidence is insufficient to determine the role of this variant in disease conclusively. Therefore, this variant is classified as a Variant of Uncertain Significance.

Ambry Genetics
Classification: Likely benign for Cardiovascular phenotype. Last evaluated: 2022-01-02. Review status: criteria provided, single submitter. Criteria: Ambry Variant Classification Scheme 2023. Collection method: clinical testing. Allele origin: germline.

NM_024334.3(TMEM43):c.98C>T (p.Ser33Leu)

Gene: TMEM43 (transmembrane protein 43; plus strand). Cytogenetic location: 3p25.1.
Variant type: single nucleotide variant.
Coding change: c.98C>T on transcript NM_024334.3 (MANE Select); coding-DNA position 98, C replaced by T.
Protein change: p.Ser33Leu; replaces serine 33 with leucine.
Molecular consequence: missense variant.
Genome position (GRCh38, 1-based): chr3:14,129,497, C>T. VCF-style: chr3-14129497-C-T. GRCh37 (hg19) VCF-style: chr3-14170997-C-T.
Other names: p.S33L:TCG>TTG; short protein forms S33L.
Identifiers: ClinVar variation 202115 (VCV000202115.18), dbSNP rs539753097, ClinGen allele CA024811.